The following is an entry in ClinVar:

ClinVar aggregate classification (germline): Uncertain significance (1 of 4 stars; one submission).

Conditions:
Type 2 diabetes mellitus. Also called: Type II diabetes mellitus. Identifiers: MedGen C0011860, MeSH D003924, MONDO:0005148, OMIM 125853, HP:0005978.

Allele frequency attached by ClinVar (database versions not stated): gnomAD 0.00001; TOPMed 0.00001.
gnomAD v4.1: 15 of 1,611,518 alleles (0.00093%); highest among the groups gnomAD compares: Non-Finnish European, 0.0012%; no homozygotes.

Submission:

New York Genome Center
Classification: Uncertain significance for Type 2 diabetes mellitus. Last evaluated: 2022-09-21. Review status: criteria provided, single submitter. Criteria: NYGC Assertion Criteria 2020. Collection method: clinical testing. Allele origin: germline. Observed: 1 heterozygote.
Comment: The c.11A>G variant in HNF1B has not previously been reported in the literature or public variant repositories (ClinVar and LOVD). The c.11A>G variant is observed in 3alleles (0.0005% minor allele frequency with 0 homozygotes) in population databases (gnomAD v2.1.1 and v3.1.2, TOPMed Freeze 8, All of Us), suggesting it is not a common benign variant in the populations represented in those databases. The c.11A>G variant in HNF1B is located in exon 1 of this 9-exon gene and is predicted to replace a moderately conserved lysine with arginine at position 4 in the dimerization domain [PMID: 33434175] of the encoded protein. In silico predictions are inconclusive of the variant's p. (Lys4Arg) effect [(CADD v1.6 = 24.3, REVEL = 0.498)]; however, there are no functional studies to support or refute these predictions. Based on available evidence, this c.11A>G, p.(Lys4Arg) variant identified in HNF1B is classified as a Variant of Uncertain Significance.

NM_000458.4(HNF1B):c.11A>G (p.Lys4Arg)

Gene: HNF1B (HNF1 homeobox B; minus strand). Cytogenetic location: 17q12.
Variant type: single nucleotide variant.
Coding change: c.11A>G on transcript NM_000458.4 (MANE Select); coding-DNA position 11, A replaced by G.
Protein change: p.Lys4Arg; replaces lysine 4 with arginine.
Molecular consequence: missense variant.
Genome position (GRCh38, 1-based): chr17:37,744,874, T>C on the plus strand (A>G on the coding strand, the complement: HNF1B is on the minus strand). VCF-style: chr17-37744874-T-C. GRCh37 (hg19) VCF-style: chr17-36104865-T-C.
Other names: c.11A>G, p.Lys4Arg (NM_001165923.4, NM_001304286.2, NM_001411100.1); short protein forms K4R.
Identifiers: ClinVar variation 2502223 (VCV002502223.1), dbSNP rs768909646, ClinGen allele CA398755386.